The following is an entry in ClinVar:

ClinVar aggregate classification (germline): Uncertain significance (1 of 4 stars; one submission).

Allele frequency attached by ClinVar (database versions not stated): TOPMed below 0.00001; gnomAD exomes 0.00002 and 0.00005; ExAC 0.00009; 1000 Genomes Project 30x 0.00016; 1000 Genomes Project 0.00020.
gnomAD v4.1: 25 of 1,534,554 alleles (0.0016%); highest among the groups gnomAD compares: South Asian, 0.0083%; no homozygotes.

Submission:

Labcorp Genetics (formerly Invitae), Labcorp
Classification: Uncertain significance. Last evaluated: 2021-11-19. Review status: criteria provided, single submitter. Criteria: Invitae Variant Classification Sherloc (09022015). Collection method: clinical testing. Allele origin: germline.
Comment: In summary, the available evidence is currently insufficient to determine the role of this variant in disease. Therefore, it has been classified as a Variant of Uncertain Significance. Experimental studies and prediction algorithms are not available or were not evaluated, and the functional significance of this variant is currently unknown. This variant has not been reported in the literature in individuals affected with COL18A1-related conditions. This variant is present in population databases (rs570703514, gnomAD 0.03%). This sequence change replaces alanine, which is neutral and non-polar, with valine, which is neutral and non-polar, at codon 1110 of the COL18A1 protein (p.Ala1110Val).

NM_001379500.1(COL18A1):c.3338C>T (p.Ala1113Val)

Genes: COL18A1 (collagen type XVIII alpha 1 chain; plus strand), SLC19A1 (solute carrier family 19 member 1; minus strand). Cytogenetic location: 21q22.3.
Variant type: single nucleotide variant.
Coding change: c.3338C>T on transcript NM_001379500.1 (MANE Select); coding-DNA position 3338, C replaced by T.
Protein change: p.Ala1113Val; replaces alanine 1113 with valine.
Molecular consequence: missense variant.
Genome position (GRCh38, 1-based): chr21:45,509,444, C>T. VCF-style: chr21-45509444-C-T. GRCh37 (hg19) VCF-style: chr21-46929358-C-T.
Other names: c.3869C>T, p.Ala1290Val (NM_030582.4); c.4574C>T, p.Ala1525Val (NM_130444.3); short protein forms A1525V, A1290V, A1113V.
Identifiers: ClinVar variation 1370103 (VCV001370103.4), dbSNP rs570703514, ClinGen allele CA10067861.